The following is an entry in ClinVar:

ClinVar aggregate classification (germline): Uncertain significance (0 of 4 stars; one submission).

Conditions:
EP300-related disorder. Also called: EP300-related disorders; EP300-related condition.

Submission:

PreventionGenetics, part of Exact Sciences
Classification: Uncertain significance for EP300-related condition. Last evaluated: 2024-04-18. Review status: no assertion criteria provided. Collection method: clinical testing. Allele origin: germline.
Comment: The EP300 c.1187C>T variant is predicted to result in the amino acid substitution p.Ser396Phe. To our knowledge, this variant has not been reported in the literature or in a large population database, indicating this variant is rare. At this time, the clinical significance of this variant is uncertain due to the absence of conclusive functional and genetic evidence.

NM_001429.4(EP300):c.1187C>T (p.Ser396Phe)

Gene: EP300 (E1A binding protein p300; plus strand). Cytogenetic location: 22q13.2.
Variant type: single nucleotide variant.
Coding change: c.1187C>T on transcript NM_001429.4 (MANE Select); coding-DNA position 1187, C replaced by T.
Protein change: p.Ser396Phe; replaces serine 396 with phenylalanine.
Molecular consequence: missense variant.
Genome position (GRCh38, 1-based): chr22:41,129,908, C>T. VCF-style: chr22-41129908-C-T. GRCh37 (hg19) VCF-style: chr22-41525912-C-T.
Other names: c.1187C>T, p.Ser396Phe (NM_001362843.2); short protein forms S396F.
Identifiers: ClinVar variation 3347646 (VCV003347646.1).